The following is an entry in ClinVar:

ClinVar aggregate classification (germline): Uncertain significance (1 of 4 stars; one submission).

Conditions:
Spastic paraplegia. Identifiers: MedGen C0037772, HP:0001258.

Submission:

Labcorp Genetics (formerly Invitae), Labcorp
Classification: Uncertain significance for Spastic paraplegia. Last evaluated: 2020-01-07. Review status: criteria provided, single submitter. Criteria: Invitae Variant Classification Sherloc (09022015). Collection method: clinical testing. Allele origin: germline.
Comment: In summary, the available evidence is currently insufficient to determine the role of this variant in disease. Therefore, it has been classified as a Variant of Uncertain Significance. This variant has not been reported in the literature in individuals with CYP2U1-related conditions. This variant results in a copy number gain of the genomic region encompassing exons 2-5 of the CYP2U1 gene. The 5' boundary is likely confined to intron 1. The 3' end of this event is unknown as it extends beyond the assayed region for this gene and therefore may encompass additional genes. As the precise location of this event is unknown, it may be in tandem or it may be located elsewhere in the genome.

NC_000004.12:g.(?_107944960)_(107950433_?)dup

Gene: CYP2U1 (cytochrome P450 family 2 subfamily U member 1; plus strand). Cytogenetic location: 4q25.
Variant type: Duplication.
Identifiers: ClinVar variation 831593 (VCV000831593.3).